The following is an entry in ClinVar:

NM_001145809.2(MYH14):c.3298C>T (p.Arg1100Cys)

Gene: MYH14 (myosin heavy chain 14; plus strand). Cytogenetic location: 19q13.33.
Variant type: single nucleotide variant.
Coding change: c.3298C>T on transcript NM_001145809.2 (MANE Select); coding-DNA position 3298, C replaced by T.
Protein change: p.Arg1100Cys; replaces arginine 1100 with cysteine.
Molecular consequence: missense variant.
Genome position (GRCh38, 1-based): chr19:50,272,562, C>T. VCF-style: chr19-50272562-C-T. GRCh37 (hg19) VCF-style: chr19-50775819-C-T.
Other names: c.3199C>T, p.Arg1067Cys (NM_001077186.2); c.3175C>T, p.Arg1059Cys (NM_024729.4); short protein forms R1059C, R1067C, R1100C.
Identifiers: ClinVar variation 1944636 (VCV001944636.5), dbSNP rs1158319494, ClinGen allele CA406952352.

ClinVar aggregate classification (germline): Uncertain significance (1 of 4 stars; one submission).

Allele frequency attached by ClinVar (database versions not stated): gnomAD exomes below 0.00001.
gnomAD v4.1: 6 of 1,568,000 alleles (0.00038%); highest among the groups gnomAD compares: East Asian, 0.0023%; no homozygotes.

Submission:

Labcorp Genetics (formerly Invitae), Labcorp
Classification: Uncertain significance. Last evaluated: 2022-01-12. Review status: criteria provided, single submitter. Criteria: Invitae Variant Classification Sherloc (09022015). Collection method: clinical testing. Allele origin: germline.
Comment: In summary, the available evidence is currently insufficient to determine the role of this variant in disease. Therefore, it has been classified as a Variant of Uncertain Significance. Algorithms developed to predict the effect of missense changes on protein structure and function (SIFT, PolyPhen-2, Align-GVGD) all suggest that this variant is likely to be disruptive. This missense change has been observed in at least one individual who was not affected with MYH14-related conditions (Invitae). This variant has not been reported in the literature in individuals affected with MYH14-related conditions. This variant is not present in population databases (gnomAD no frequency). This sequence change replaces arginine, which is basic and polar, with cysteine, which is neutral and slightly polar, at codon 1059 of the MYH14 protein (p.Arg1059Cys).